The following is an entry in ClinVar:

ClinVar aggregate classification (germline): Uncertain significance (1 of 4 stars; one submission).

Allele frequency attached by ClinVar (database versions not stated): gnomAD exomes below 0.00001; gnomAD 0.00001; TOPMed 0.00001.
gnomAD v4.1: 4 of 1,601,584 alleles (0.00025%); highest among the groups gnomAD compares: Non-Finnish European, 0.00034%; no homozygotes.

Submission:

Labcorp Genetics (formerly Invitae), Labcorp
Classification: Uncertain significance. Last evaluated: 2022-08-03. Review status: criteria provided, single submitter. Criteria: Invitae Variant Classification Sherloc (09022015). Collection method: clinical testing. Allele origin: germline.
Comment: This sequence change replaces cysteine, which is neutral and slightly polar, with arginine, which is basic and polar, at codon 572 of the IL12RB2 protein (p.Cys572Arg). This variant is present in population databases (no rsID available, gnomAD 0.0009%). This variant has not been reported in the literature in individuals affected with IL12RB2-related conditions. Algorithms developed to predict the effect of missense changes on protein structure and function output the following: SIFT: "Tolerated"; PolyPhen-2: "Benign"; Align-GVGD: "Class C0". The arginine amino acid residue is found in multiple mammalian species, which suggests that this missense change does not adversely affect protein function. In summary, the available evidence is currently insufficient to determine the role of this variant in disease. Therefore, it has been classified as a Variant of Uncertain Significance.

NM_001374259.2(IL12RB2):c.1714T>C (p.Cys572Arg)

Gene: IL12RB2 (interleukin 12 receptor subunit beta 2; plus strand). Cytogenetic location: 1p31.3.
Variant type: single nucleotide variant.
Coding change: c.1714T>C on transcript NM_001374259.2 (MANE Select); coding-DNA position 1714, T replaced by C.
Protein change: p.Cys572Arg; replaces cysteine 572 with arginine.
Molecular consequence: missense variant. On other transcripts: non-coding transcript variant (1), intron variant (1).
Genome position (GRCh38, 1-based): chr1:67,372,780, T>C. VCF-style: chr1-67372780-T-C. GRCh37 (hg19) VCF-style: chr1-67838463-T-C.
Other names: c.1714T>C, p.Cys572Arg (NM_001258214.1, NM_001258216.1, NM_001319233.1 and 1 more transcripts); c.1459+4755T>C (NM_001258215.1); short protein forms C572R.
Identifiers: ClinVar variation 2178254 (VCV002178254.4), dbSNP rs1361549731, ClinGen allele CA340730340.
Genomic context (GRCh38, chr1:67,372,780, plus strand): 5'-TGCCTCCTCCATTATAGGATATACTGGAAGGAACGGGACTCCAACTCCCAGCCTCAGCTC[T>C]GTGGTATGTGTGAGAACCAAATGCAGTGAGTGGGGCCTTCTTGTTTGGATGTCAGGAAAA-3'
Protein context (NP_001361188.1, residues 562-582): ERDSNSQPQL[Cys572Arg]EIPYRVSQNS